The following is an entry in ClinVar:

ClinVar aggregate classification (germline): Likely pathogenic (1 of 4 stars; one submission).

Conditions:
Hereditary fructosuria. Also called: ALDOB DEFICIENCY; ALDOLASE B DEFICIENCY; FRUCTOSE-1,6-BISPHOSPHATE ALDOLASE B DEFICIENCY; FRUCTOSE-1-PHOSPHATE ALDOLASE DEFICIENCY; FRUCTOSEMIA; Fructose intolerance. Identifiers: Orphanet 469, MedGen C0016751, MONDO:0009249, OMIM 229600, HP:0005973. Disease mechanism: loss of function.

Submission:

Myriad Genetics, Inc.
Classification: Likely pathogenic for Hereditary fructosuria. Last evaluated: 2022-02-17. Review status: criteria provided, single submitter. Criteria: Myriad Women's Health Autosomal Recessive and X-Linked Classification Criteria (2021). Collection method: clinical testing. Allele origin: unknown.
Comment: NM_000035.3(ALDOB):c.724A>T(K242*) is expected to be pathogenic in the context of hereditary fructose intolerance. This variant is predicted to lead to an abnormal or absent protein product due to the creation of a premature termination codon in ALDOB, a gene where loss-of-function variants are known to be pathogenic. Please note: this variant was assessed in the context of healthy population screening.

NM_000035.4(ALDOB):c.724A>T (p.Lys242Ter)

Gene: ALDOB (aldolase, fructose-bisphosphate B; minus strand). Cytogenetic location: 9q31.1.
Variant type: single nucleotide variant.
Coding change: c.724A>T on transcript NM_000035.4 (MANE Select); coding-DNA position 724, A replaced by T.
Protein change: p.Lys242Ter; replaces lysine 242 with a stop codon.
Molecular consequence: nonsense.
Genome position (GRCh38, 1-based): chr9:101,425,528, T>A on the plus strand (A>T on the coding strand, the complement: ALDOB is on the minus strand). VCF-style: chr9-101425528-T-A. GRCh37 (hg19) VCF-style: chr9-104187810-T-A.
Other names: short protein forms K242*.
Identifiers: ClinVar variation 1724491 (VCV001724491.2), dbSNP rs2490120355, ClinGen allele CA374264759.
Genomic context (GRCh38, chr9:101,425,528, plus strand): 5'-GAACAGTACGGTGGAGAGCTGTTACGGTGGCCATAGCTACTTGTTCTGGAGTATACTTCT[T>A]GGTGCAGGCATGTCCAGCAGTCACCATGTTGGGCTTTAGCAGGGTGCCCTCCAGGTAAAC-3'